The following is an entry in ClinVar:

ClinVar aggregate classification (germline): Likely benign. Review status: criteria provided, single submitter (1 of 4 stars). 2 submissions from 2 submitters: Likely benign (1). 1 of the submissions does not count toward it. Last evaluated 2024-01-08.

Conditions:
MASP2-related disorder. Also called: MASP2-related condition.

gnomAD v4.1: 184 of 1,561,508 alleles (0.012%); highest among the groups gnomAD compares: Non-Finnish European, 0.015%; no homozygotes.

Submissions (2):

Blueprint Genetics
Classification: Likely benign. Last evaluated: 2024-01-08. Review status: criteria provided, single submitter. Criteria: ACMG Guidelines, 2015. Collection method: clinical testing. Allele origin: germline.

PreventionGenetics, part of Exact Sciences
Classification: Likely benign for MASP2-related condition. Last evaluated: 2019-02-19. Review status: no assertion criteria provided. Collection method: clinical testing. Allele origin: germline. Not counted in ClinVar's aggregate classification.
Comment: This variant is classified as likely benign based on ACMG/AMP sequence variant interpretation guidelines (Richards et al. 2015 PMID: 25741868, with internal and published modifications).

NM_006610.4(MASP2):c.5+10C>T

Gene: MASP2 (MBL associated serine protease 2; minus strand). Cytogenetic location: 1p36.22.
Variant type: single nucleotide variant.
Coding change: c.5+10C>T on transcript NM_006610.4 (MANE Select); 10 bases into the intron after coding-DNA position 5, C replaced by T.
Molecular consequence: intron variant.
Genome position (GRCh38, 1-based): chr1:11,047,193, G>A on the plus strand (C>T on the coding strand, the complement: MASP2 is on the minus strand). VCF-style: chr1-11047193-G-A. GRCh37 (hg19) VCF-style: chr1-11107250-G-A.
Other names: c.5+10C>T (NM_139208.3).
Identifiers: ClinVar variation 3353092 (VCV003353092.2).